The following is an entry in ClinVar:

NM_001079802.2(FKTN):c.145G>A (p.Gly49Arg)

Gene: FKTN (fukutin; plus strand). Cytogenetic location: 9q31.2.
Variant type: single nucleotide variant.
Coding change: c.145G>A on transcript NM_001079802.2 (MANE Select); coding-DNA position 145, G replaced by A.
Protein change: p.Gly49Arg; replaces glycine 49 with arginine.
Molecular consequence: missense variant. On other transcripts: 5 prime UTR variant (5), non-coding transcript variant (2).
Genome position (GRCh38, 1-based): chr9:105,596,637, G>A. VCF-style: chr9-105596637-G-A. GRCh37 (hg19) VCF-style: chr9-108358918-G-A.
Other names: c.145G>A, p.Gly49Arg (NM_001198963.2, NM_001351496.2, NM_001351498.2 and 1 more transcripts); c.-23G>A (NM_001351497.2); c.-370G>A (NM_001351499.2, NM_001351500.2, NM_001351501.2 and 1 more transcripts); short protein forms G49R.
Identifiers: ClinVar variation 1420871 (VCV001420871.8), dbSNP rs2132595541, ClinGen allele CA374331101.

ClinVar aggregate classification (germline): Uncertain significance (1 of 4 stars; one submission).

Conditions:
Walker-Warburg congenital muscular dystrophy. Also called: Muscular dystrophy-dystroglycanopathy, type A; Walker-Warburg syndrome. Identifiers: Orphanet 899, MedGen C0265221, MONDO:0000171.

Allele frequency attached by ClinVar (database versions not stated): gnomAD exomes below 0.00001.
gnomAD v4.1: 3 of 1,611,412 alleles (0.00019%); highest among the groups gnomAD compares: South Asian, 0.0022%; no homozygotes.

Submission:

Labcorp Genetics (formerly Invitae), Labcorp
Classification: Uncertain significance for Walker-Warburg congenital muscular dystrophy. Last evaluated: 2021-07-03. Review status: criteria provided, single submitter. Criteria: Invitae Variant Classification Sherloc (09022015). Collection method: clinical testing. Allele origin: germline.
Comment: Algorithms developed to predict the effect of missense changes on protein structure and function are either unavailable or do not agree on the potential impact of this missense change (SIFT: "Tolerated"; PolyPhen-2: "Possibly Damaging"; Align-GVGD: "Class C0"). This sequence change replaces glycine with arginine at codon 49 of the FKTN protein (p.Gly49Arg). The glycine residue is moderately conserved and there is a moderate physicochemical difference between glycine and arginine. This variant is not present in population databases (ExAC no frequency). This variant has not been reported in the literature in individuals affected with FKTN-related conditions. In summary, the available evidence is currently insufficient to determine the role of this variant in disease. Therefore, it has been classified as a Variant of Uncertain Significance.